The following is an entry in ClinVar:

ClinVar aggregate classification (germline): Uncertain significance (1 of 4 stars; one submission).

Conditions:
Combined immunodeficiency due to DOCK8 deficiency (HIES2). Also called: HIES autosomal recessive; HYPER-IgE RECURRENT INFECTION SYNDROME 2, AUTOSOMAL RECESSIVE; HYPER-IgE SYNDROME 2, AUTOSOMAL RECESSIVE, WITH RECURRENT INFECTIONS; DOCK8 Deficiency; Hyper-IgE recurrent infection syndrome, autosomal recessive. Identifiers: Orphanet 217390, MedGen C4722305, MONDO:0009478, OMIM 243700.

Submission:

Labcorp Genetics (formerly Invitae), Labcorp
Classification: Uncertain significance for Combined immunodeficiency due to DOCK8 deficiency. Last evaluated: 2022-03-19. Review status: criteria provided, single submitter. Criteria: Invitae Variant Classification Sherloc (09022015). Collection method: clinical testing. Allele origin: germline.
Comment: In summary, the available evidence is currently insufficient to determine the role of this variant in disease. Therefore, it has been classified as a Variant of Uncertain Significance. Algorithms developed to predict the effect of missense changes on protein structure and function are either unavailable or do not agree on the potential impact of this missense change (SIFT: "Deleterious"; PolyPhen-2: "Benign"; Align-GVGD: "Class C0"). This variant has not been reported in the literature in individuals affected with DOCK8-related conditions. This variant is not present in population databases (gnomAD no frequency). This sequence change replaces threonine, which is neutral and polar, with lysine, which is basic and polar, at codon 1272 of the DOCK8 protein (p.Thr1272Lys).

NM_203447.4(DOCK8):c.3815C>A (p.Thr1272Lys)

Gene: DOCK8 (dedicator of cytokinesis 8; plus strand). Cytogenetic location: 9p24.3.
Variant type: single nucleotide variant.
Coding change: c.3815C>A on transcript NM_203447.4 (MANE Select); coding-DNA position 3815, C replaced by A.
Protein change: p.Thr1272Lys; replaces threonine 1272 with lysine.
Molecular consequence: missense variant.
Genome position (GRCh38, 1-based): chr9:418,182, C>A. VCF-style: chr9-418182-C-A. GRCh37 (hg19) VCF-style: chr9-418182-C-A.
Other names: c.3515C>A, p.Thr1172Lys (NM_001190458.2); c.3611C>A, p.Thr1204Lys (NM_001193536.2); short protein forms T1204K, T1172K, T1272K.
Identifiers: ClinVar variation 2114425 (VCV002114425.4), dbSNP rs1039669122, ClinGen allele CA372762424.
Genomic context (GRCh38, chr9:418,182, plus strand): 5'-CCGGTGCCATTAACCAGAATGTGGCTCTGGCCATAGCAGGGAATAATTTCAATTTGAAAA[C>A]AAGTGGAATAGTGCTGTCTTCCTTGGTATGTTGGTGCACATGTGTCTGGTTGATTTTTCA-3'
Protein context (NP_982272.2, residues 1262-1282): AIAGNNFNLK[Thr1272Lys]SGIVLSSLPY